The following is an entry in ClinVar:

ClinVar aggregate classification (germline): Uncertain significance (1 of 4 stars; one submission).

Conditions:
Catecholaminergic polymorphic ventricular tachycardia 1. Also called: VENTRICULAR TACHYCARDIA, CATECHOLAMINERGIC POLYMORPHIC, 1, WITH OR WITHOUT ATRIAL DYSFUNCTION AND/OR DILATED CARDIOMYOPATHY; RYR2-Related Catecholaminergic Polymorphic Ventricular Tachycardia; VENTRICULAR TACHYCARDIA, STRESS-INDUCED POLYMORPHIC 1. Identifiers: Orphanet 3286, MedGen C1631597, MONDO:0011484, OMIM 604772.

Submission:

Labcorp Genetics (formerly Invitae), Labcorp
Classification: Uncertain significance for Catecholaminergic polymorphic ventricular tachycardia 1. Last evaluated: 2024-09-29. Review status: criteria provided, single submitter. Criteria: Invitae Variant Classification Sherloc (09022015). Collection method: clinical testing. Allele origin: germline.
Comment: This sequence change replaces methionine, which is neutral and non-polar, with isoleucine, which is neutral and non-polar, at codon 4139 of the RYR2 protein (p.Met4139Ile). This variant is not present in population databases (gnomAD no frequency). This variant has not been reported in the literature in individuals affected with RYR2-related conditions. Invitae Evidence Modeling of protein sequence and biophysical properties (such as structural, functional, and spatial information, amino acid conservation, physicochemical variation, residue mobility, and thermodynamic stability) indicates that this missense variant is expected to disrupt RYR2 protein function with a positive predictive value of 95%. In summary, the available evidence is currently insufficient to determine the role of this variant in disease. Therefore, it has been classified as a Variant of Uncertain Significance.

NM_001035.3(RYR2):c.12417G>A (p.Met4139Ile)

Genes: RYR2 (ryanodine receptor 2; plus strand), LOC126806068 (BRD4-independent group 4 enhancer GRCh37_chr1:237947411-237948610; plus strand). Cytogenetic location: 1q43.
Variant type: single nucleotide variant.
Coding change: c.12417G>A on transcript NM_001035.3 (MANE Select); coding-DNA position 12417, G replaced by A.
Protein change: p.Met4139Ile; replaces methionine 4139 with isoleucine.
Molecular consequence: missense variant.
Genome position (GRCh38, 1-based): chr1:237,784,129, G>A. VCF-style: chr1-237784129-G-A. GRCh37 (hg19) VCF-style: chr1-237947429-G-A.
Other names: short protein forms M4139I.
Identifiers: ClinVar variation 3633836 (VCV003633836.2).